The following is an entry in ClinVar:

ClinVar aggregate classification (germline): Pathogenic/Likely pathogenic. Review status: criteria provided, multiple submitters, no conflicts (2 of 4 stars). 7 submissions from 7 submitters: Pathogenic (5); Likely pathogenic (2). Last evaluated 2025-12-30.

Conditions:
USH2A-related disorder. Also called: USH2A-related disorders; USH2A-related condition. Identifiers: MedGen CN239332.
Retinitis pigmentosa 39 (RP39). Identifiers: Orphanet 791, MedGen C3151138, MONDO:0013436, OMIM 613809.

Submissions (7):

Labcorp Genetics (formerly Invitae), Labcorp
Classification: Pathogenic. Last evaluated: 2025-12-30. Review status: criteria provided, single submitter. Criteria: Invitae Variant Classification Sherloc (09022015). Collection method: clinical testing. Allele origin: germline.
Comment: This sequence change creates a premature translational stop signal (p.Thr1099Argfs*27) in the USH2A gene. It is expected to result in an absent or disrupted protein product. Loss-of-function variants in USH2A are known to be pathogenic (PMID: 10729113, 10909849, 20507924, 25649381). This variant is not present in population databases (gnomAD no frequency). This variant has not been reported in the literature in individuals affected with USH2A-related conditions. ClinVar contains an entry for this variant (Variation ID: 592698). For these reasons, this variant has been classified as Pathogenic.

Genome-Nilou Lab
Classification: Likely pathogenic for Retinitis pigmentosa 39. Last evaluated: 2023-11-04. Review status: criteria provided, single submitter. Criteria: ACMG Guidelines, 2015. Collection method: clinical testing. Allele origin: germline. Affected: no.

Baylor Genetics
Classification: Pathogenic for Retinitis pigmentosa 39. Last evaluated: 2023-08-24. Review status: criteria provided, single submitter. Criteria: ACMG Guidelines, 2015. Collection method: clinical testing. Allele origin: unknown.

Blueprint Genetics
Classification: Pathogenic for USH2A-related disorders. Last evaluated: 2022-05-06. Review status: criteria provided, single submitter. Criteria: ACMG Guidelines, 2015. Collection method: clinical testing. Allele origin: germline. Affected: yes. Observed: 2 variant alleles.

Ocular Genomics Institute, Massachusetts Eye and Ear
Classification: Likely pathogenic for Retinitis pigmentosa 39. Last evaluated: 2021-04-08. Review status: criteria provided, single submitter. Criteria: ACMG Guidelines, 2015. Collection method: research. Allele origin: germline. Affected: yes.
Comment: Through a review of available evidence we were able to apply the following criteria: PVS1, PM2. Based on this evidence we have classified this variant as Likely pathogenic.

CeGaT Center for Human Genetics Tuebingen
Classification: Pathogenic. Last evaluated: 2019-01-01. Review status: criteria provided, single submitter. Criteria: CeGaT Center For Human Genetics Tuebingen Variant Classification Criteria Version 2. Collection method: clinical testing. Allele origin: germline. Affected: yes. Observed: 1 variant allele.

Eurofins Ntd Llc (ga)
Classification: Pathogenic. Last evaluated: 2018-08-01. Review status: criteria provided, single submitter. Criteria: EGL ClinVar v180209 classification definitions. Collection method: clinical testing. Allele origin: germline. Observed: 3 variant alleles, 1 heterozygote.

Literature cited by the submitters: PubMed 10729113 (cited by Labcorp Genetics (formerly Invitae), Labcorp); PubMed 10909849 (cited by Labcorp Genetics (formerly Invitae), Labcorp); PubMed 20507924 (cited by Labcorp Genetics (formerly Invitae), Labcorp); PubMed 25649381 (cited by Labcorp Genetics (formerly Invitae), Labcorp).

NM_206933.4(USH2A):c.3296_3297del (p.Thr1099fs)

Genes: USH2A (usherin; minus strand), USH2A-AS1 (USH2A antisense RNA 1; plus strand). Cytogenetic location: 1q41.
Variant type: Deletion.
Coding change: c.3296_3297del on transcript NM_206933.4 (MANE Select); coding-DNA positions 3296 to 3297, 2 bases deleted (CA; older notation c.3296_3297delCA).
Protein change: p.Thr1099fs; shifts the reading frame from threonine 1099.
Molecular consequence: frameshift variant.
Genome position (GRCh38, 1-based): chr1:216,207,292-216,207,293, TG deleted on the plus strand (CA on the coding strand, the reverse complement: USH2A is on the minus strand); deleting any 2 consecutive bases within chr1:216,207,292-216,207,294 gives the same sequence; the c. name uses the placement nearest the transcript's 3' end. VCF-style (leftmost placement, unchanged base first): chr1-216207291-CTG-C. GRCh37 (hg19) VCF-style: chr1-216380633-CTG-C.
Other names: c.3296_3297del, p.Thr1099fs (NM_007123.6); short protein forms T1099fs.
Identifiers: ClinVar variation 592698 (VCV000592698.52), dbSNP rs748369458, ClinGen allele CA37479706.